The following is an entry in ClinVar:

ClinVar aggregate classification (germline): Uncertain significance (1 of 4 stars; one submission).

Conditions:
Inflammatory bowel disease 28. Also called: Inflammatory bowel disease 28, early onset, autosomal recessive. Identifiers: Orphanet 238569, MedGen C2751053, MONDO:0013153, OMIM 613148.

Allele frequency attached by ClinVar (database versions not stated): gnomAD 0.00001; gnomAD exomes 0.00001 and 0.00005; ExAC 0.00002; TOPMed 0.00003.
gnomAD v4.1: 16 of 1,613,912 alleles (0.00099%); highest among the groups gnomAD compares: Admixed American, 0.023%; no homozygotes.

Submission:

Labcorp Genetics (formerly Invitae), Labcorp
Classification: Uncertain significance for Inflammatory bowel disease 28. Last evaluated: 2022-07-26. Review status: criteria provided, single submitter. Criteria: Invitae Variant Classification Sherloc (09022015). Collection method: clinical testing. Allele origin: germline.
Comment: This sequence change replaces lysine, which is basic and polar, with arginine, which is basic and polar, at codon 273 of the IL10RA protein (p.Lys273Arg). This variant is present in population databases (rs750798173, gnomAD 0.04%). This variant has not been reported in the literature in individuals affected with IL10RA-related conditions. ClinVar contains an entry for this variant (Variation ID: 850115). Algorithms developed to predict the effect of missense changes on protein structure and function (SIFT, PolyPhen-2, Align-GVGD) all suggest that this variant is likely to be tolerated. Algorithms developed to predict the effect of sequence changes on RNA splicing suggest that this variant may create or strengthen a splice site. In summary, the available evidence is currently insufficient to determine the role of this variant in disease. Therefore, it has been classified as a Variant of Uncertain Significance.

NM_001558.4(IL10RA):c.818A>G (p.Lys273Arg)

Gene: IL10RA (interleukin 10 receptor subunit alpha; plus strand). Cytogenetic location: 11q23.3.
Variant type: single nucleotide variant.
Coding change: c.818A>G on transcript NM_001558.4 (MANE Select); coding-DNA position 818, A replaced by G.
Protein change: p.Lys273Arg; replaces lysine 273 with arginine.
Molecular consequence: missense variant. On other transcripts: non-coding transcript variant (1).
Genome position (GRCh38, 1-based): chr11:117,998,722, A>G. VCF-style: chr11-117998722-A-G. GRCh37 (hg19) VCF-style: chr11-117869437-A-G.
Other names: short protein forms K273R.
Identifiers: ClinVar variation 850115 (VCV000850115.7), dbSNP rs750798173, ClinGen allele CA6299073.